The following is an entry in ClinVar:

NM_001134407.3(GRIN2A):c.77C>T (p.Ala26Val)

Gene: GRIN2A (glutamate ionotropic receptor NMDA type subunit 2A; minus strand). Cytogenetic location: 16p13.2.
Variant type: single nucleotide variant.
Coding change: c.77C>T on transcript NM_001134407.3 (MANE Select); coding-DNA position 77, C replaced by T.
Protein change: p.Ala26Val; replaces alanine 26 with valine.
Molecular consequence: missense variant.
Genome position (GRCh38, 1-based): chr16:10,180,335, G>A on the plus strand (C>T on the coding strand, the complement: GRIN2A is on the minus strand). VCF-style: chr16-10180335-G-A. GRCh37 (hg19) VCF-style: chr16-10274192-G-A.
Other names: c.77C>T, p.Ala26Val (NM_000833.5, NM_001134408.2); short protein forms A26V.
Identifiers: ClinVar variation 676290 (VCV000676290.15), dbSNP rs765986049, ClinGen allele CA7897050.

ClinVar aggregate classification (germline): Conflicting classifications of pathogenicity. Review status: criteria provided, conflicting classifications (1 of 4 stars). 5 submissions from 5 submitters: Uncertain significance (2); Likely benign (3). Last evaluated 2025-11-25.

Conditions:
Landau-Kleffner syndrome (FESD). Also called: APHASIA, ACQUIRED, WITH EPILEPSY; EPILEPSY, FOCAL, WITH SPEECH DISORDER AND WITH OR WITHOUT MENTAL RETARDATION. Identifiers: Orphanet 1945, Orphanet 725, Orphanet 98818, MedGen C0282512, MONDO:0009509, OMIM 245570.

Allele frequency attached by ClinVar (database versions not stated): ExAC 0.00001; TOPMed 0.00002; gnomAD exomes 0.00001.
gnomAD v4.1: 6 of 1,608,520 alleles (0.00037%); highest among the groups gnomAD compares: Middle Eastern, 0.05%; no homozygotes.

Submissions (5):

Labcorp Genetics (formerly Invitae), Labcorp
Classification: Likely benign for Landau-Kleffner syndrome. Last evaluated: 2025-11-25. Review status: criteria provided, single submitter. Criteria: Invitae Variant Classification Sherloc (09022015). Collection method: clinical testing. Allele origin: germline.

Women's Health and Genetics/Laboratory Corporation of America, LabCorp
Classification: Uncertain significance. Last evaluated: 2025-03-17. Review status: criteria provided, single submitter. Criteria: LabCorp Variant Classification Summary - May 2015. Collection method: clinical testing. Allele origin: germline.
Comment: Variant summary: GRIN2A c.77C>T (p.Ala26Val) results in a non-conservative amino acid change in the encoded protein sequence. Four of five in-silico tools predict a benign effect of the variant on protein function. The variant allele was found at a frequency of 1.3e-05 in 238746 control chromosomes. The available data on variant occurrences in the general population are insufficient to allow any conclusion about variant significance. c.77C>T has been reported in the literature as a VUS in at least one heterozygous individual affected with seizures without evidence of causality (e.g. ElNaofal_2023). These report(s) do not provide unequivocal conclusions about association of the variant with Epilepsy, Focal, With Speech Disorder And With Or Without Mental Retardation. To our knowledge, no experimental evidence demonstrating an impact on protein function has been reported. The following publication has been ascertained in the context of this evaluation (PMID: 36703223). ClinVar contains an entry for this variant (Variation ID: 676290). Based on the evidence outlined above, the variant was classified as uncertain significance.

Dubai Health Genomic Medicine Center, Dubai Health
Classification: Uncertain significance. Last evaluated: 2022-12-17. Review status: criteria provided, single submitter. Criteria: ACMG Guidelines, 2015. Collection method: clinical testing. Allele origin: germline. Affected: yes.

Blueprint Genetics
Classification: Likely benign. Last evaluated: 2020-02-04. Review status: criteria provided, single submitter. Criteria: ACMG Guidelines, 2015. Collection method: clinical testing. Allele origin: germline.

GeneDx
Classification: Likely benign. Last evaluated: 2018-04-06. Review status: criteria provided, single submitter. Criteria: GeneDx Variant Classification (06012015). Collection method: clinical testing. Allele origin: germline. Affected: yes.
Comment: This variant is considered likely benign or benign based on one or more of the following criteria: it is a conservative change, it occurs at a poorly conserved position in the protein, it is predicted to be benign by multiple in silico algorithms, and/or has population frequency not consistent with disease.

Literature cited by the submitters: PubMed 36703223 (cited by Women's Health and Genetics/Laboratory Corporation of America, LabCorp).